The following is an entry in ClinVar:

NM_006059.4(LAMC3):c.2230C>T (p.Pro744Ser)

Gene: LAMC3 (laminin subunit gamma 3; plus strand). Cytogenetic location: 9q34.12.
Variant type: single nucleotide variant.
Coding change: c.2230C>T on transcript NM_006059.4 (MANE Select); coding-DNA position 2230, C replaced by T.
Protein change: p.Pro744Ser; replaces proline 744 with serine.
Molecular consequence: missense variant.
Genome position (GRCh38, 1-based): chr9:131,061,106, C>T. VCF-style: chr9-131061106-C-T. GRCh37 (hg19) VCF-style: chr9-133936493-C-T.
Other names: c.2230C>T (NM_006059.3); short protein forms P744S.
Identifiers: ClinVar variation 1431602 (VCV001431602.5), dbSNP rs145508936, ClinGen allele CA5287359.

ClinVar aggregate classification (germline): Uncertain significance. Review status: criteria provided, multiple submitters, no conflicts (2 of 4 stars). 2 submissions from 2 submitters: Uncertain significance (2). Last evaluated 2024-08-14.

Conditions:
Inborn genetic diseases. Identifiers: MedGen C0950123, MeSH D030342.

Allele frequency attached by ClinVar (database versions not stated): ESP Exome Variant Server 0.00008; gnomAD 0.00013 and 0.00014; ExAC 0.00014; gnomAD exomes 0.00014; TOPMed 0.00017.
gnomAD v4.1: 481 of 1,613,940 alleles (0.03%); highest among the groups gnomAD compares: Non-Finnish European, 0.039%; no homozygotes.

Submissions (2):

Ambry Genetics
Classification: Uncertain significance for Inborn genetic diseases. Last evaluated: 2024-08-14. Review status: criteria provided, single submitter. Criteria: Ambry Variant Classification Scheme 2023. Collection method: clinical testing. Allele origin: germline.

Labcorp Genetics (formerly Invitae), Labcorp
Classification: Uncertain significance. Last evaluated: 2022-09-12. Review status: criteria provided, single submitter. Criteria: Invitae Variant Classification Sherloc (09022015). Collection method: clinical testing. Allele origin: germline.
Comment: This sequence change replaces proline, which is neutral and non-polar, with serine, which is neutral and polar, at codon 744 of the LAMC3 protein (p.Pro744Ser). This variant is present in population databases (rs145508936, gnomAD 0.02%). This variant has not been reported in the literature in individuals affected with LAMC3-related conditions. ClinVar contains an entry for this variant (Variation ID: 1431602). Algorithms developed to predict the effect of missense changes on protein structure and function are either unavailable or do not agree on the potential impact of this missense change (SIFT: "Tolerated"; PolyPhen-2: "Benign"; Align-GVGD: "Class C25"). In summary, the available evidence is currently insufficient to determine the role of this variant in disease. Therefore, it has been classified as a Variant of Uncertain Significance.